The following is an entry in ClinVar:

ClinVar aggregate classification (germline): Uncertain significance (1 of 4 stars; one submission).

gnomAD v4.1: 2 of 1,612,670 alleles (0.00012%); highest among the groups gnomAD compares: Non-Finnish European, 0.00017%; no homozygotes.

Submission:

Labcorp Genetics (formerly Invitae), Labcorp
Classification: Uncertain significance. Last evaluated: 2025-05-14. Review status: criteria provided, single submitter. Criteria: Invitae Variant Classification Sherloc (09022015). Collection method: clinical testing. Allele origin: germline.
Comment: This sequence change replaces threonine, which is neutral and polar, with serine, which is neutral and polar, at codon 61 of the RPS27 protein (p.Thr61Ser). This variant is present in population databases (rs772939307, gnomAD 0.0009%). This variant has not been reported in the literature in individuals affected with RPS27-related conditions. An algorithm developed to predict the effect of missense changes on protein structure and function (PolyPhen-2) suggests that this variant is likely to be tolerated. In summary, the available evidence is currently insufficient to determine the role of this variant in disease. Therefore, it has been classified as a Variant of Uncertain Significance.

NM_001030.6(RPS27):c.182C>G (p.Thr61Ser)

Genes: RPS27 (ribosomal protein S27; plus strand), LOC126805872 (BRD4-independent group 4 enhancer GRCh37_chr1:153962963-153964162; plus strand). Cytogenetic location: 1q21.3.
Variant type: single nucleotide variant.
Coding change: c.182C>G on transcript NM_001030.6 (MANE Select); coding-DNA position 182, C replaced by G.
Protein change: p.Thr61Ser; replaces threonine 61 with serine.
Molecular consequence: missense variant.
Genome position (GRCh38, 1-based): chr1:153,991,632, C>G. VCF-style: chr1-153991632-C-G. GRCh37 (hg19) VCF-style: chr1-153964108-C-G.
Other names: c.86C>G, p.Thr29Ser (NM_001349946.2, NM_001349947.2); short protein forms T29S, T61S.
Identifiers: ClinVar variation 4761756 (VCV004761756.1).